The following is an entry in ClinVar:

NM_025233.7(COASY):c.1176T>G (p.Gly392=)

Gene: COASY (Coenzyme A synthase; plus strand). Cytogenetic location: 17q21.2.
Variant type: single nucleotide variant.
Coding change: c.1176T>G on transcript NM_025233.7 (MANE Select); coding-DNA position 1176, T replaced by G.
Protein change: p.Gly392=; no amino-acid change (glycine 392 retained).
Molecular consequence: synonymous variant.
Genome position (GRCh38, 1-based): chr17:42,564,837, T>G. VCF-style: chr17-42564837-T-G. GRCh37 (hg19) VCF-style: chr17-40716855-T-G.
Other names: c.1176T>G, p.Gly392= (NM_001042529.3); c.1263T>G, p.Gly421= (NM_001042532.4).
Identifiers: ClinVar variation 2647791 (VCV002647791.24), dbSNP rs1329104127, ClinGen allele CA500220208.

ClinVar aggregate classification (germline): Likely benign (1 of 4 stars; one submission).

Submission:

CeGaT Center for Human Genetics Tuebingen
Classification: Likely benign. Last evaluated: 2022-11-01. Review status: criteria provided, single submitter. Criteria: CeGaT Center For Human Genetics Tuebingen Variant Classification Criteria Version 2. Collection method: clinical testing. Allele origin: germline. Affected: yes. Observed: 1 variant allele.
Comment: COASY: PM2:Supporting, BP4, BP7